The following is an entry in ClinVar:

ClinVar aggregate classification (germline): Uncertain significance. Review status: criteria provided, multiple submitters, no conflicts (2 of 4 stars). 3 submissions from 3 submitters: Uncertain significance (3). Last evaluated 2026-10-16.

Conditions:
Familial sleep-related hypermotor epilepsy. Also called: Autosomal Dominant Sleep-Related Hypermotor (Hyperkinetic) Epilepsy. Identifiers: Orphanet 98784, MedGen C3696898, MONDO:0000030.

Submissions (3):

GeneDx
Classification: Uncertain significance. Last evaluated: 2026-10-16. Review status: criteria provided, single submitter. Criteria: GeneDx Variant Classification Process June 2021. Collection method: clinical testing. Allele origin: germline.
Comment: Not observed at significant frequency in large population cohorts (gnomAD); In-frame deletion of 1 amino acid(s) in a non-repeat region; In silico analysis suggests that this variant does not alter protein structure/function; Has not been previously published as pathogenic or benign to our knowledge

Labcorp Genetics (formerly Invitae), Labcorp
Classification: Uncertain significance. Last evaluated: 2025-08-06. Review status: criteria provided, single submitter. Criteria: Invitae Variant Classification Sherloc (09022015). Collection method: clinical testing. Allele origin: germline.
Comment: This variant, c.1260_1262del, results in the deletion of 1 amino acid(s) of the CHRNA2 protein (p.Glu420del), but otherwise preserves the integrity of the reading frame. The frequency data for this variant in the population databases is considered unreliable, as metrics indicate poor data quality at this position in the gnomAD database. This variant has not been reported in the literature in individuals affected with CHRNA2-related conditions. ClinVar contains an entry for this variant (Variation ID: 502426). Experimental studies and prediction algorithms are not available or were not evaluated, and the functional significance of this variant is currently unknown. In summary, the available evidence is currently insufficient to determine the role of this variant in disease. Therefore, it has been classified as a Variant of Uncertain Significance.

Eurofins Ntd Llc (ga)
Classification: Uncertain significance. Last evaluated: 2017-06-15. Review status: criteria provided, single submitter. Criteria: EGL Classification Definitions 2015. Collection method: clinical testing. Allele origin: germline. Observed: 1 variant allele, 1 heterozygote.

NM_000742.4(CHRNA2):c.1251GGA[3] (p.Glu420del)

Gene: CHRNA2 (cholinergic receptor nicotinic alpha 2 subunit; minus strand). Cytogenetic location: 8p21.2.
Variant type: Microsatellite.
Coding change: c.1251GGA[3] on transcript NM_000742.4 (MANE Select); three copies in a row of the 3-base unit GGA starting at c.1251; the reference has four copies in a row; one copy, 3 bases deleted; also written c.1260_1262del.
Protein change: p.Glu420del; deletes glutamic acid 420.
Molecular consequence: inframe deletion.
Genome position (GRCh38, 1-based): chr8:27,463,181-27,463,183, TCC deleted on the plus strand (GGA on the coding strand, the reverse complement: CHRNA2 is on the minus strand); deleting any 3 consecutive bases within chr8:27,463,181-27,463,192 gives the same sequence; the position shown is the placement nearest the transcript's 3' end. VCF-style (leftmost placement, unchanged base first): chr8-27463180-GTCC-G. GRCh37 (hg19) VCF-style: chr8-27320697-GTCC-G.
Other names: c.1206GGA[3], p.Glu405del (NM_001282455.2); c.774GGA[3], p.Glu261del (NM_001347705.2, NM_001347706.2); c.657GGA[3], p.Glu222del (NM_001347707.2, NM_001347708.2); c.1260_1262del (NM_000742.3); short protein forms E420del, E222del, E261del, E405del.
Identifiers: ClinVar variation 502426 (VCV000502426.9), dbSNP rs1468008473, ClinGen allele CA580954916.